The following is an entry in ClinVar:

NM_021098.3(CACNA1H):c.3995A>G (p.Asn1332Ser)

Gene: CACNA1H (calcium voltage-gated channel subunit alpha1 H; plus strand). Cytogenetic location: 16p13.3.
Variant type: single nucleotide variant.
Coding change: c.3995A>G on transcript NM_021098.3 (MANE Select); coding-DNA position 3995, A replaced by G.
Protein change: p.Asn1332Ser; replaces asparagine 1332 with serine.
Molecular consequence: missense variant.
Genome position (GRCh38, 1-based): chr16:1,210,608, A>G. VCF-style: chr16-1210608-A-G. GRCh37 (hg19) VCF-style: chr16-1260608-A-G.
Other names: c.3995A>G (NM_001005407.1); c.3995A>G, p.Asn1332Ser (NM_001005407.2); short protein forms N1332S.
Identifiers: ClinVar variation 938595 (VCV000938595.8), dbSNP rs1969322876, ClinGen allele CA394177054.

ClinVar aggregate classification (germline): Uncertain significance. Review status: criteria provided, multiple submitters, no conflicts (2 of 4 stars). 2 submissions from 2 submitters: Uncertain significance (2). Last evaluated 2025-09-10.

Conditions:
Epilepsy, childhood absence, susceptibility to, 6. Identifiers: Orphanet 64280, MedGen C2749872, MONDO:0012763, OMIM 611942.
Idiopathic generalized epilepsy. Also called: EIG; Generalised epilepsy. Identifiers: MedGen C0270850, MONDO:0005579, OMIM 600669.
Hyperaldosteronism, familial, type IV (HALD4). Also called: FH IV; ALDOSTERONISM, PRIMARY, AND HYPERTENSION. Identifiers: Orphanet 642671, MedGen C4310756, MONDO:0014875, OMIM 617027.

Allele frequency attached by ClinVar (database versions not stated): gnomAD exomes 0.00001; TOPMed 0.00001.
gnomAD v4.1: 10 of 1,607,882 alleles (0.00062%); highest among the groups gnomAD compares: South Asian, 0.0011%; no homozygotes.

Submissions (2):

Genomic Medicine Center of Excellence, King Faisal Specialist Hospital and Research Centre
Classification: Uncertain significance for Epilepsy, childhood absence, susceptibility to, 6. Last evaluated: 2025-09-10. Review status: criteria provided, single submitter. Criteria: ACMG Guidelines, 2015. Collection method: clinical testing. Allele origin: germline.

Labcorp Genetics (formerly Invitae), Labcorp
Classification: Uncertain significance for Idiopathic generalized epilepsy; Hyperaldosteronism, familial, type IV. Last evaluated: 2024-12-02. Review status: criteria provided, single submitter. Criteria: Invitae Variant Classification Sherloc (09022015). Collection method: clinical testing. Allele origin: germline.
Comment: This sequence change replaces asparagine, which is neutral and polar, with serine, which is neutral and polar, at codon 1332 of the CACNA1H protein (p.Asn1332Ser). This variant is not present in population databases (gnomAD no frequency). This variant has not been reported in the literature in individuals affected with CACNA1H-related conditions. ClinVar contains an entry for this variant (Variation ID: 938595). Invitae Evidence Modeling of protein sequence and biophysical properties (such as structural, functional, and spatial information, amino acid conservation, physicochemical variation, residue mobility, and thermodynamic stability) indicates that this missense variant is expected to disrupt CACNA1H protein function with a positive predictive value of 80%. In summary, the available evidence is currently insufficient to determine the role of this variant in disease. Therefore, it has been classified as a Variant of Uncertain Significance.